The following is an entry in ClinVar:

NM_000719.7(CACNA1C):c.5529T>C (p.His1843=)

Genes: CACNA1C (calcium voltage-gated channel subunit alpha1 C; plus strand), CACNA1C-AS1 (CACNA1C antisense RNA 1; minus strand). Cytogenetic location: 12p13.33.
Variant type: single nucleotide variant.
Coding change: c.5529T>C on transcript NM_000719.7 (MANE Select); coding-DNA position 5529, T replaced by C.
Protein change: p.His1843=; no amino-acid change (histidine 1843 retained).
Molecular consequence: synonymous variant.
Genome position (GRCh38, 1-based): chr12:2,682,634, T>C. VCF-style: chr12-2682634-T-C. GRCh37 (hg19) VCF-style: chr12-2791800-T-C.
Other names: c.5673T>C, p.His1891= (NM_001129827.2); c.5652T>C, p.His1884= (NM_001129829.2); c.5634T>C, p.His1878= (NM_001129830.3, NM_001167624.3); c.5613T>C, p.His1871= (NM_001129831.2); c.5589T>C, p.His1863= (NM_001129832.2); c.5586T>C, p.His1862= (NM_001129833.2, NM_001129834.2, NM_001129835.2); c.5580T>C, p.His1860= (NM_001129836.2); c.5553T>C, p.His1851= (NM_001129837.2, NM_001129838.2); and 6 more.
Identifiers: ClinVar variation 136641 (VCV000136641.25), dbSNP rs371831239, ClinGen allele CA245645.

ClinVar aggregate classification (germline): Conflicting classifications of pathogenicity. Review status: criteria provided, conflicting classifications (1 of 4 stars). 9 submissions from 9 submitters: Uncertain significance (1); Benign (2); Likely benign (6). Last evaluated 2026-09-01.

Conditions:
CACNA1C-related disorder. Also called: CACNA1C-related disorders; CACNA1C-related condition. Identifiers: MedGen CN381092, MONDO:0700321.
Cardiovascular phenotype. Identifiers: MedGen CN230736.
Long QT syndrome (LQTS). Identifiers: MedGen C0023976, MeSH D008133, MONDO:0002442. Disease mechanism: loss of function. Inheritance: Various modes of inheritance.

Allele frequency attached by ClinVar (database versions not stated): ESP Exome Variant Server 0.00008; gnomAD 0.00008; gnomAD exomes 0.00012; TOPMed 0.00012.
gnomAD v4.1: 189 of 1,612,300 alleles (0.012%); highest among the groups gnomAD compares: Middle Eastern, 0.23%; no homozygotes.

Submissions (9):

CeGaT Center for Human Genetics Tuebingen
Classification: Likely benign. Last evaluated: 2026-09-01. Review status: criteria provided, single submitter. Criteria: CeGaT Center For Human Genetics Tuebingen Variant Classification Criteria Version 2. Collection method: clinical testing. Allele origin: germline. Affected: yes. Observed: 2 variant alleles.
Comment: CACNA1C: BP4, BP7

PreventionGenetics, part of Exact Sciences
Classification: Likely benign for CACNA1C-related condition. Last evaluated: 2026-05-27. Review status: criteria provided, single submitter. Criteria: ACMG Guidelines, 2015. Collection method: clinical testing. Allele origin: germline.
Comment: This variant is classified as likely benign based on ACMG/AMP sequence variant interpretation guidelines (Richards et al. 2015 PMID: 25741868, with internal and published modifications).

Women's Health and Genetics/Laboratory Corporation of America, LabCorp
Classification: Benign. Last evaluated: 2026-03-13. Review status: criteria provided, single submitter. Criteria: LabCorp Variant Classification Summary - May 2015. Collection method: clinical testing. Allele origin: germline.

Labcorp Genetics (formerly Invitae), Labcorp
Classification: Likely benign for Long QT syndrome. Last evaluated: 2026-01-10. Review status: criteria provided, single submitter. Criteria: Invitae Variant Classification Sherloc (09022015). Collection method: clinical testing. Allele origin: germline.

Blueprint Genetics
Classification: Likely benign. Last evaluated: 2024-05-13. Review status: criteria provided, single submitter. Criteria: ACMG Guidelines, 2015. Collection method: clinical testing. Allele origin: germline.

ARUP Laboratories, Molecular Genetics and Genomics, ARUP Laboratories
Classification: Likely benign. Last evaluated: 2023-03-22. Review status: criteria provided, single submitter. Criteria: ARUP Molecular Germline Variant Investigation Process 2024. Collection method: clinical testing. Allele origin: germline.

Ambry Genetics
Classification: Likely benign for Cardiovascular phenotype. Last evaluated: 2016-08-24. Review status: criteria provided, single submitter. Criteria: Ambry Variant Classification Scheme 2023. Collection method: clinical testing. Allele origin: germline.

Eurofins Ntd Llc (ga)
Classification: Uncertain significance. Last evaluated: 2015-09-22. Review status: criteria provided, single submitter. Criteria: EGL Classification Definitions 2015. Collection method: clinical testing. Allele origin: germline. Observed: 1 variant allele, 1 heterozygote.

GeneDx
Classification: Benign. Last evaluated: 2013-11-19. Review status: criteria provided, single submitter. Criteria: GeneDx Variant Classification (06012015). Collection method: clinical testing. Allele origin: germline. Affected: yes.
Comment: This variant is considered likely benign or benign based on one or more of the following criteria: it is a conservative change, it occurs at a poorly conserved position in the protein, it is predicted to be benign by multiple in silico algorithms, and/or has population frequency not consistent with disease.